The following is an entry in ClinVar:

NM_004329.3(BMPR1A):c.-152-15A>G

Gene: BMPR1A (bone morphogenetic protein receptor type 1A; plus strand). Cytogenetic location: 10q23.2.
Variant type: single nucleotide variant.
Coding change: c.-152-15A>G on transcript NM_004329.3 (MANE Select); 15 bases into the intron before 152 bases upstream of the start codon, A replaced by G.
Molecular consequence: intron variant.
Genome position (GRCh38, 1-based): chr10:86,875,852, A>G. VCF-style: chr10-86875852-A-G. GRCh37 (hg19) VCF-style: chr10-88635609-A-G.
Identifiers: ClinVar variation 512543 (VCV000512543.1), dbSNP rs1554886779, ClinGen allele CA658797451.

ClinVar aggregate classification (germline): Likely benign (1 of 4 stars; one submission).

Allele frequency attached by ClinVar (database versions not stated): gnomAD exomes below 0.00001.
gnomAD v4.1: 2 of 664,544 alleles (0.0003%); highest among the groups gnomAD compares: South Asian, 0.0018%; no homozygotes.

Submission:

GeneDx
Classification: Likely benign. Last evaluated: 2017-10-05. Review status: criteria provided, single submitter. Criteria: GeneDx Variant Classification (06012015). Collection method: clinical testing. Allele origin: germline. Affected: yes.
Comment: This variant is considered likely benign or benign based on one or more of the following criteria: it is a conservative change, it occurs at a poorly conserved position in the protein, it is predicted to be benign by multiple in silico algorithms, and/or has population frequency not consistent with disease.